The following is an entry in ClinVar:

ClinVar aggregate classification (germline): Pathogenic (1 of 4 stars; one submission).

Conditions:
Hydrocephalus, nonsyndromic, autosomal recessive 1 (HYC1). Also called: Congenital hydrocephalus 1; Hydrocephalus, nonsyndromic, autosomal recessive. Identifiers: Orphanet 2185, MedGen C3887608, MONDO:0009360, OMIM 236600.

gnomAD v4.1: 1 of 1,610,532 alleles (0.000062%); highest among the groups gnomAD compares: Non-Finnish European, 0.000085%; no homozygotes.

Submission:

Women's Health and Genetics/Laboratory Corporation of America, LabCorp
Classification: Pathogenic for Hydrocephalus, nonsyndromic, autosomal recessive 1. Last evaluated: 2026-01-28. Review status: criteria provided, single submitter. Criteria: LabCorp Variant Classification Summary - May 2015. Collection method: clinical testing. Allele origin: germline.
Comment: Variant summary: CCDC88C c.3403C>T (p.Gln1135X) results in a premature termination codon, predicted to cause a truncation of the encoded protein or absence of the protein due to nonsense mediated decay, which are commonly known mechanisms for disease. The variant was absent in 246308 control chromosomes. To our knowledge, no occurrence of c.3403C>T in individuals affected with CCDC88C-related conditions and no experimental evidence demonstrating its impact on protein function have been reported. No submitters have cited clinical-significance assessments for this variant to ClinVar. To our knowledge, this variant has not been reported in individuals with autosomal dominant Spinocerebellar ataxia. Based on the evidence outlined above, the variant was classified as pathogenic for Hydrocephalus, nonsyndromic, autosomal recessive 1.

NM_001080414.4(CCDC88C):c.3403C>T (p.Gln1135Ter)

Gene: CCDC88C (coiled-coil and HOOK domain protein 88C; minus strand). Cytogenetic location: 14q32.11.
Variant type: single nucleotide variant.
Coding change: c.3403C>T on transcript NM_001080414.4 (MANE Select); coding-DNA position 3403, C replaced by T.
Protein change: p.Gln1135Ter; replaces glutamine 1135 with a stop codon.
Molecular consequence: nonsense. On other transcripts: non-coding transcript variant (2).
Genome position (GRCh38, 1-based): chr14:91,303,933, G>A on the plus strand (C>T on the coding strand, the complement: CCDC88C is on the minus strand). VCF-style: chr14-91303933-G-A. GRCh37 (hg19) VCF-style: chr14-91770277-G-A.
Other names: short protein forms Q1135*.
Identifiers: ClinVar variation 4689143 (VCV004689143.1).